The following is an entry in ClinVar:

NM_000252.3(MTM1):c.782_783del (p.Leu261fs)

Gene: MTM1 (myotubularin 1; plus strand). Cytogenetic location: Xq28.
Variant type: Microsatellite.
Coding change: c.782_783del on transcript NM_000252.3 (MANE Select); coding-DNA positions 782 to 783, 2 bases deleted (TC; older notation c.782_783delTC).
Protein change: p.Leu261fs; shifts the reading frame from leucine 261.
Molecular consequence: frameshift variant.
Genome position (GRCh38, 1-based): chrX:150,645,786-150,645,787, TC deleted; deleting any 2 consecutive bases within chrX:150,645,784-150,645,787 gives the same sequence; the c. name uses the placement nearest the transcript's 3' end. VCF-style (leftmost placement, unchanged base first): chrX-150645783-ATC-A. GRCh37 (hg19) VCF-style: chrX-149814256-ATC-A.
Other names: c.782_783delTC (NM_000252.3); c.782_783del, p.Leu261fs (NM_001376906.1, NM_001376908.1); c.671_672del, p.Leu224fs (NM_001376907.1); short protein forms L224fs, L261fs.
Identifiers: ClinVar variation 2637853 (VCV002637853.1), dbSNP rs2522381566, ClinGen allele CA2695197187.

ClinVar aggregate classification (germline): Pathogenic (1 of 4 stars; one submission).

Conditions:
Severe X-linked myotubular myopathy (CNMX). Also called: MYOTUBULAR MYOPATHY 1; X-linked centronuclear myopathy; Myotubular myopathy, X-linked. Identifiers: Orphanet 596, MedGen C0410203, MONDO:0010683, OMIM 310400.

Submission:

Women's Health and Genetics/Laboratory Corporation of America, LabCorp
Classification: Pathogenic for Severe X-linked myotubular myopathy. Last evaluated: 2023-10-23. Review status: criteria provided, single submitter. Criteria: LabCorp Variant Classification Summary - May 2015. Collection method: clinical testing. Allele origin: germline.
Comment: Variant summary: MTM1 c.782_783delTC (p.Leu261ArgfsX7) results in a premature termination codon, predicted to cause a truncation of the encoded protein or absence of the protein due to nonsense mediated decay, which are commonly known mechanisms for disease. Variants downstream of this position have been classified as pathogenic in ClinVar. The variant was absent in 182963 control chromosomes (gnomAD). To our knowledge, no occurrence of c.782_783delTC in individuals affected with Severe X-Linked Myotubular Myopathy and no experimental evidence demonstrating its impact on protein function have been reported. No submitters have cited clinical-significance assessments for this variant to ClinVar after 2014. Based on the evidence outlined above, the variant was classified as pathogenic.